The following is an entry in ClinVar:

NM_001379029.1(CERT1):c.1317T>A (p.Ile439=)

Gene: CERT1 (ceramide transporter 1; minus strand). Cytogenetic location: 5q13.3.
Variant type: single nucleotide variant.
Coding change: c.1317T>A on transcript NM_001379029.1 (MANE Select); coding-DNA position 1317, T replaced by A.
Protein change: p.Ile439=; no amino-acid change (isoleucine 439 retained).
Molecular consequence: synonymous variant.
Genome position (GRCh38, 1-based): chr5:75,386,002, A>T on the plus strand (T>A on the coding strand, the complement: CERT1 is on the minus strand). VCF-style: chr5-75386002-A-T. GRCh37 (hg19) VCF-style: chr5-74681827-A-T.
Other names: c.1701T>A, p.Ile567= (NM_001130105.1); c.1317T>A, p.Ile439= (NM_001379002.1, NM_005713.3); c.1239T>A, p.Ile413= (NM_001379003.1, NM_001379004.1, NM_031361.3).
Identifiers: ClinVar variation 3046937 (VCV003046937.2), dbSNP rs764260078, ClinGen allele CA3309048.
Genomic context (GRCh38, chr5:75,386,002, plus strand): 5'-GCAGACTTCATGTCCTGTGACGCCTTTAACTGCATGGGTAGCTTTTAAAGGATCCAGAAC[A>T]ATCCCATTTTCTTCTACTTCTCTTCTGTATACCTAAAGAGAACATAATTCCAAAACTGTT-3'
Protein context (NP_001365958.1, residues 429-449): VYRREVEENG[Ile439=]VLDPLKATHA

ClinVar aggregate classification (germline): Likely benign (0 of 4 stars; one submission).

Conditions:
CERT1-related disorder. Also called: CERT1-related condition.

Allele frequency attached by ClinVar (database versions not stated): gnomAD 0.00001; ExAC 0.00002; TOPMed 0.00006.
gnomAD v4.1: 8 of 1,582,980 alleles (0.00051%); highest among the groups gnomAD compares: Admixed American, 0.0071%; no homozygotes.

Submission:

PreventionGenetics, part of Exact Sciences
Classification: Likely benign for CERT1-related condition. Last evaluated: 2019-02-26. Review status: no assertion criteria provided. Collection method: clinical testing. Allele origin: germline.
Comment: This variant is classified as likely benign based on ACMG/AMP sequence variant interpretation guidelines (Richards et al. 2015 PMID: 25741868, with internal and published modifications).